The following is an entry in ClinVar:

NM_198578.4(LRRK2):c.1922T>C (p.Val641Ala)

Gene: LRRK2 (leucine rich repeat kinase 2; plus strand). Cytogenetic location: 12q12.
Variant type: single nucleotide variant.
Coding change: c.1922T>C on transcript NM_198578.4 (MANE Select); coding-DNA position 1922, T replaced by C.
Protein change: p.Val641Ala; replaces valine 641 with alanine.
Molecular consequence: missense variant.
Genome position (GRCh38, 1-based): chr12:40,274,974, T>C. VCF-style: chr12-40274974-T-C. GRCh37 (hg19) VCF-style: chr12-40668776-T-C.
Other names: short protein forms V641A.
Identifiers: ClinVar variation 1782712 (VCV001782712.3), dbSNP rs1329679047, ClinGen allele CA384403719.

ClinVar aggregate classification (germline): Uncertain significance (1 of 4 stars; one submission).

Conditions:
Inborn genetic diseases. Identifiers: MedGen C0950123, MeSH D030342.

Allele frequency attached by ClinVar (database versions not stated): gnomAD exomes below 0.00001; gnomAD 0.00001; TOPMed 0.00001.
gnomAD v4.1: 7 of 1,613,876 alleles (0.00043%); highest among the groups gnomAD compares: Non-Finnish European, 0.00059%; no homozygotes.

Submission:

Ambry Genetics
Classification: Uncertain significance for Inborn genetic diseases. Last evaluated: 2024-05-19. Review status: criteria provided, single submitter. Criteria: Ambry Variant Classification Scheme 2023. Collection method: clinical testing. Allele origin: germline.
Comment: The p.V641A variant (also known as c.1922T>C), located in coding exon 16 of the LRRK2 gene, results from a T to C substitution at nucleotide position 1922. The valine at codon 641 is replaced by alanine, an amino acid with similar properties. This amino acid position is conserved. In addition, this alteration is predicted to be tolerated by in silico analysis. Since supporting evidence is limited at this time, the clinical significance of this alteration remains unclear.